The following is an entry in ClinVar:

ClinVar aggregate classification (germline): Uncertain significance. Review status: criteria provided, multiple submitters, no conflicts (2 of 4 stars). 2 submissions from 2 submitters: Uncertain significance (2). Last evaluated 2023-05-01.

Conditions:
Cardiovascular phenotype. Identifiers: MedGen CN230736.
Hereditary cancer-predisposing syndrome. Also called: Hereditary neoplastic syndrome; Neoplastic Syndromes, Hereditary; Hereditary Cancer Syndrome; Tumor predisposition. Identifiers: Orphanet 140162, MedGen C0027672, MeSH D009386, MONDO:0015356.
Neurofibromatosis, type 1 (NF1). Also called: Peripheral type neurofibromatosis; VON RECKLINGHAUSEN DISEASE; Neurofibromatosis, type I; NEUROFIBROMATOSIS, TYPE I, SOMATIC. Identifiers: Orphanet 636, MedGen C0027831, MONDO:0018975, OMIM 162200. Disease mechanism: loss of function.

Allele frequency attached by ClinVar (database versions not stated): gnomAD exomes below 0.00001; ExAC 0.00001.
gnomAD v4.1: 2 of 1,614,202 alleles (0.00012%); highest among the groups gnomAD compares: South Asian, 0.0011%; no homozygotes.

Submissions (2):

Ambry Genetics
Classification: Uncertain significance for Cardiovascular phenotype; Hereditary cancer-predisposing syndrome. Last evaluated: 2023-05-01. Review status: criteria provided, single submitter. Criteria: Ambry Variant Classification Scheme 2023. Collection method: clinical testing. Allele origin: germline.
Comment: The p.N149D variant (also known as c.445A>G), located in coding exon 4 of the NF1 gene, results from an A to G substitution at nucleotide position 445. The asparagine at codon 149 is replaced by aspartic acid, an amino acid with highly similar properties. This amino acid position is conserved. In addition, the in silico prediction for this alteration is inconclusive. Since supporting evidence is limited at this time, the clinical significance of this alteration remains unclear.

Labcorp Genetics (formerly Invitae), Labcorp
Classification: Uncertain significance for Neurofibromatosis, type 1. Last evaluated: 2021-12-07. Review status: criteria provided, single submitter. Criteria: Invitae Variant Classification Sherloc (09022015). Collection method: clinical testing. Allele origin: germline.
Comment: In summary, the available evidence is currently insufficient to determine the role of this variant in disease. Therefore, it has been classified as a Variant of Uncertain Significance. Algorithms developed to predict the effect of missense changes on protein structure and function (SIFT, PolyPhen-2, Align-GVGD) all suggest that this variant is likely to be tolerated. ClinVar contains an entry for this variant (Variation ID: 570137). This sequence change replaces asparagine, which is neutral and polar, with aspartic acid, which is acidic and polar, at codon 149 of the NF1 protein (p.Asn149Asp). This variant is present in population databases (rs750974024, gnomAD 0.003%). This variant has not been reported in the literature in individuals affected with NF1-related conditions.

NM_001042492.3(NF1):c.445A>G (p.Asn149Asp)

Gene: NF1 (neurofibromin 1; plus strand). Cytogenetic location: 17q11.2.
Variant type: single nucleotide variant.
Coding change: c.445A>G on transcript NM_001042492.3 (MANE Select); coding-DNA position 445, A replaced by G.
Protein change: p.Asn149Asp; replaces asparagine 149 with aspartic acid.
Molecular consequence: missense variant.
Genome position (GRCh38, 1-based): chr17:31,163,342, A>G. VCF-style: chr17-31163342-A-G. GRCh37 (hg19) VCF-style: chr17-29490360-A-G.
Other names: c.445A>G, p.Asn149Asp (NM_000267.4, NM_001128147.3); short protein forms N149D.
Identifiers: ClinVar variation 570137 (VCV000570137.6), dbSNP rs750974024, ClinGen allele CA8485537.